The following is an entry in ClinVar:

NM_006302.3(MOGS):c.2227T>G (p.Ser743Ala)

Gene: MOGS (mannosyl-oligosaccharide glucosidase; minus strand). Cytogenetic location: 2p13.1.
Variant type: single nucleotide variant.
Coding change: c.2227T>G on transcript NM_006302.3 (MANE Select); coding-DNA position 2227, T replaced by G.
Protein change: p.Ser743Ala; replaces serine 743 with alanine.
Molecular consequence: missense variant.
Genome position (GRCh38, 1-based): chr2:74,461,562, A>C on the plus strand (T>G on the coding strand, the complement: MOGS is on the minus strand). VCF-style: chr2-74461562-A-C. GRCh37 (hg19) VCF-style: chr2-74688689-A-C.
Other names: c.2227T>G (NM_006302.2); c.1909T>G, p.Ser637Ala (NM_001146158.2); short protein forms S637A, S743A.
Identifiers: ClinVar variation 1352439 (VCV001352439.6), dbSNP rs1671904864, ClinGen allele CA347366812.

ClinVar aggregate classification (germline): Uncertain significance. Review status: criteria provided, multiple submitters, no conflicts (2 of 4 stars). 2 submissions from 2 submitters: Uncertain significance (2). Last evaluated 2024-09-03.

Conditions:
Inborn genetic diseases. Identifiers: MedGen C0950123, MeSH D030342.
MOGS-congenital disorder of glycosylation. Also called: GLUCOSIDASE I DEFICIENCY; MOGS-CDG; CDG IIb; CDG 2B. Identifiers: Orphanet 79330, MedGen C1853736, MONDO:0011629, OMIM 606056.

Allele frequency attached by ClinVar (database versions not stated): gnomAD exomes below 0.00001.
gnomAD v4.1: 2 of 1,614,012 alleles (0.00012%); highest among the groups gnomAD compares: Non-Finnish European, 0.00017%; no homozygotes.

Submissions (2):

Ambry Genetics
Classification: Uncertain significance for Inborn genetic diseases. Last evaluated: 2024-09-03. Review status: criteria provided, single submitter. Criteria: Ambry Variant Classification Scheme 2023. Collection method: clinical testing. Allele origin: germline.

Labcorp Genetics (formerly Invitae), Labcorp
Classification: Uncertain significance for MOGS-congenital disorder of glycosylation. Last evaluated: 2022-08-09. Review status: criteria provided, single submitter. Criteria: Invitae Variant Classification Sherloc (09022015). Collection method: clinical testing. Allele origin: germline.
Comment: In summary, the available evidence is currently insufficient to determine the role of this variant in disease. Therefore, it has been classified as a Variant of Uncertain Significance. Algorithms developed to predict the effect of missense changes on protein structure and function are either unavailable or do not agree on the potential impact of this missense change (SIFT: "Deleterious"; PolyPhen-2: "Benign"; Align-GVGD: "Class C0"). ClinVar contains an entry for this variant (Variation ID: 1352439). This variant has not been reported in the literature in individuals affected with MOGS-related conditions. This variant is not present in population databases (gnomAD no frequency). This sequence change replaces serine, which is neutral and polar, with alanine, which is neutral and non-polar, at codon 743 of the MOGS protein (p.Ser743Ala).